The following is an entry in ClinVar:

ClinVar aggregate classification (germline): Pathogenic/Likely pathogenic. Review status: criteria provided, multiple submitters, no conflicts (2 of 4 stars). 3 submissions from 3 submitters: Pathogenic (1); Likely pathogenic (2). Last evaluated 2024-05-20.

Conditions:
Hermansky-Pudlak syndrome 3 (HPS3). Identifiers: Orphanet 231512, Orphanet 79430, MedGen C3888001, MONDO:0013555, OMIM 614072.

Allele frequency attached by ClinVar (database versions not stated): TOPMed below 0.00001; gnomAD 0.00001; gnomAD exomes 0.00001; ExAC 0.00002.
gnomAD v4.1: 4 of 1,613,854 alleles (0.00025%); highest among the groups gnomAD compares: South Asian, 0.0011%; no homozygotes.

Submissions (3):

Fulgent Genetics
Classification: Likely pathogenic for Hermansky-Pudlak syndrome 3. Last evaluated: 2024-05-20. Review status: criteria provided, single submitter. Criteria: ACMG Guidelines, 2015. Collection method: clinical testing. Allele origin: germline.

Labcorp Genetics (formerly Invitae), Labcorp
Classification: Pathogenic. Last evaluated: 2023-06-03. Review status: criteria provided, single submitter. Criteria: Invitae Variant Classification Sherloc (09022015). Collection method: clinical testing. Allele origin: germline.
Comment: This premature translational stop signal has been observed in individual(s) with Hermansky-Pudlak syndrome (PMID: 32725903). This variant is present in population databases (rs780470124, gnomAD 0.003%). This sequence change creates a premature translational stop signal (p.Arg231*) in the HPS3 gene. It is expected to result in an absent or disrupted protein product. Loss-of-function variants in HPS3 are known to be pathogenic (PMID: 11590544). For these reasons, this variant has been classified as Pathogenic.

Baylor Genetics
Classification: Likely pathogenic for Hermansky-Pudlak syndrome 3. Last evaluated: 2022-06-01. Review status: criteria provided, single submitter. Criteria: ACMG Guidelines, 2015. Collection method: clinical testing. Allele origin: unknown.

Literature cited by the submitters: PubMed 32725903 (cited by Labcorp Genetics (formerly Invitae), Labcorp); PubMed 11590544 (cited by Labcorp Genetics (formerly Invitae), Labcorp).

NM_032383.5(HPS3):c.691C>T (p.Arg231Ter)

Gene: HPS3 (HPS3 biogenesis of lysosomal organelles complex 2 subunit 1; plus strand). Cytogenetic location: 3q24.
Variant type: single nucleotide variant.
Coding change: c.691C>T on transcript NM_032383.5 (MANE Select); coding-DNA position 691, C replaced by T.
Protein change: p.Arg231Ter; replaces arginine 231 with a stop codon.
Molecular consequence: nonsense. On other transcripts: intron variant (1).
Genome position (GRCh38, 1-based): chr3:149,140,477, C>T. VCF-style: chr3-149140477-C-T. GRCh37 (hg19) VCF-style: chr3-148858264-C-T.
Other names: c.218-540C>T (NM_001308258.2); short protein forms R231*.
Identifiers: ClinVar variation 2676107 (VCV002676107.5), dbSNP rs780470124, ClinGen allele CA2659853.
Genomic context (GRCh38, chr3:149,140,477, plus strand): 5'-CTGGAGTCAGGCCCTAAAAATGGAGAGAGAGTTCACCACCATCCACATAAGACCAACAAT[C>T]GAATAAGACGGACAGAAGAAGGTAAATAATGAATTTGACTTGCTTTCTTGTTTTAGGAAT-3'